The following is an entry in ClinVar:

NM_006086.4(TUBB3):c.716C>T (p.Ser239Phe)

Gene: TUBB3 (tubulin beta 3 class III; plus strand). Cytogenetic location: 16q24.3.
Variant type: single nucleotide variant.
Coding change: c.716C>T on transcript NM_006086.4 (MANE Select); coding-DNA position 716, C replaced by T.
Protein change: p.Ser239Phe; replaces serine 239 with phenylalanine.
Molecular consequence: missense variant.
Genome position (GRCh38, 1-based): chr16:89,935,167, C>T. VCF-style: chr16-89935167-C-T. GRCh37 (hg19) VCF-style: chr16-90001575-C-T.
Other names: c.500C>T, p.Ser167Phe (NM_001197181.2); short protein forms S167F, S239F.
Identifiers: ClinVar variation 546125 (VCV000546125.4), dbSNP rs1555625589, ClinGen allele CA397475184.

ClinVar aggregate classification (germline): Likely pathogenic (1 of 4 stars; one submission).

Submission:

GeneDx
Classification: Likely pathogenic. Last evaluated: 2023-06-26. Review status: criteria provided, single submitter. Criteria: GeneDx Variant Classification Process June 2021. Collection method: clinical testing. Allele origin: germline. Affected: yes.
Comment: In silico analysis supports that this missense variant does not alter protein structure/function; Missense variants in this gene are often considered pathogenic (HGMD); Not observed at significant frequency in large population cohorts (gnomAD); Has not been previously published as pathogenic or benign to our knowledge